The following is an entry in ClinVar:

NM_020297.4(ABCC9):c.1618+6T>C

Gene: ABCC9 (ATP binding cassette subfamily C member 9; minus strand). Cytogenetic location: 12p12.1.
Variant type: single nucleotide variant.
Coding change: c.1618+6T>C on transcript NM_020297.4 (MANE Select); 6 bases into the intron after coding-DNA position 1618, T replaced by C.
Molecular consequence: intron variant.
Genome position (GRCh38, 1-based): chr12:21,906,120, A>G on the plus strand (T>C on the coding strand, the complement: ABCC9 is on the minus strand). VCF-style: chr12-21906120-A-G. GRCh37 (hg19) VCF-style: chr12-22059054-A-G.
Other names: c.754+6T>C (NM_001377274.1); c.1618+6T>C (NM_005691.4, NM_001377273.1).
Identifiers: ClinVar variation 658966 (VCV000658966.16), dbSNP rs769869371, ClinGen allele CA6481640.

ClinVar aggregate classification (germline): Uncertain significance. Review status: criteria provided, multiple submitters, no conflicts (2 of 4 stars). 2 submissions from 2 submitters: Uncertain significance (2). Last evaluated 2025-11-01.

Conditions:
Dilated cardiomyopathy 1O (CMD1O). Also called: CARDIOMYOPATHY, DILATED, WITH VENTRICULAR TACHYCARDIA. Identifiers: Orphanet 154, MedGen C1837839, MONDO:0012062, OMIM 608569.

Allele frequency attached by ClinVar (database versions not stated): ExAC 0.00002; gnomAD exomes 0.00002.
gnomAD v4.1: 10 of 1,612,796 alleles (0.00062%); highest among the groups gnomAD compares: Admixed American, 0.0017%; no homozygotes.

Submissions (2):

CeGaT Center for Human Genetics Tuebingen
Classification: Uncertain significance. Last evaluated: 2025-11-01. Review status: criteria provided, single submitter. Criteria: CeGaT Center For Human Genetics Tuebingen Variant Classification Criteria Version 2. Collection method: clinical testing. Allele origin: germline. Affected: yes. Observed: 1 variant allele.
Comment: ABCC9: PP3

Labcorp Genetics (formerly Invitae), Labcorp
Classification: Uncertain significance for Dilated cardiomyopathy 1O. Last evaluated: 2025-05-13. Review status: criteria provided, single submitter. Criteria: Invitae Variant Classification Sherloc (09022015). Collection method: clinical testing. Allele origin: germline.
Comment: This sequence change falls in intron 10 of the ABCC9 gene. It does not directly change the encoded amino acid sequence of the ABCC9 protein. It affects a nucleotide within the consensus splice site. This variant is present in population databases (rs769869371, gnomAD 0.003%). This variant has not been reported in the literature in individuals affected with ABCC9-related conditions. ClinVar contains an entry for this variant (Variation ID: 658966). Variants that disrupt the consensus splice site are a relatively common cause of aberrant splicing (PMID: 17576681, 9536098). Algorithms developed to predict the effect of sequence changes on RNA splicing suggest that this variant may disrupt the consensus splice site. In summary, the available evidence is currently insufficient to determine the role of this variant in disease. Therefore, it has been classified as a Variant of Uncertain Significance.

Literature cited by the submitters: PubMed 17576681 (cited by Labcorp Genetics (formerly Invitae), Labcorp); PubMed 9536098 (cited by Labcorp Genetics (formerly Invitae), Labcorp).